The following is an entry in ClinVar:

NM_005908.4(MANBA):c.1649G>A (p.Arg550Gln)

Gene: MANBA (mannosidase beta; minus strand). Cytogenetic location: 4q24.
Variant type: single nucleotide variant.
Coding change: c.1649G>A on transcript NM_005908.4 (MANE Select); coding-DNA position 1649, G replaced by A.
Protein change: p.Arg550Gln; replaces arginine 550 with glutamine.
Molecular consequence: missense variant.
Genome position (GRCh38, 1-based): chr4:102,657,737, C>T on the plus strand (G>A on the coding strand, the complement: MANBA is on the minus strand). VCF-style: chr4-102657737-C-T. GRCh37 (hg19) VCF-style: chr4-103578894-C-T.
Other names: short protein forms R550Q.
Identifiers: ClinVar variation 1065089 (VCV001065089.7), dbSNP rs745958233, ClinGen allele CA3026844.

ClinVar aggregate classification (germline): Uncertain significance. Review status: criteria provided, multiple submitters, no conflicts (2 of 4 stars). 4 submissions from 4 submitters: Uncertain significance (2). 2 of the submissions do not count toward it. Last evaluated 2022-08-09.

Conditions:
Beta-D-mannosidosis (MANSB). Also called: Beta-Mannosidosis; MANNOSIDOSIS, BETA A, LYSOSOMAL; BETA-MANNOSIDASE DEFICIENCY; LYSOSOMAL BETA-MANNOSIDASE DEFICIENCY. Identifiers: Orphanet 118, MedGen C4048196, MONDO:0009562, OMIM 248510.
Hearing impairment. Also called: Impaired Hearing. Identifiers: MedGen C1384666, MONDO:0005365, HP:0000365.

Allele frequency attached by ClinVar (database versions not stated): TOPMed 0.00002.
gnomAD v4.1: 24 of 1,613,738 alleles (0.0015%); highest among the groups gnomAD compares: East Asian, 0.0022%; no homozygotes.

Submissions (4):

Labcorp Genetics (formerly Invitae), Labcorp
Classification: Uncertain significance for Beta-D-mannosidosis. Last evaluated: 2022-08-09. Review status: criteria provided, single submitter. Criteria: Invitae Variant Classification Sherloc (09022015). Collection method: clinical testing. Allele origin: germline.
Comment: This sequence change replaces arginine, which is basic and polar, with glutamine, which is neutral and polar, at codon 550 of the MANBA protein (p.Arg550Gln). This variant is present in population databases (rs745958233, gnomAD 0.0009%). This variant has not been reported in the literature in individuals affected with MANBA-related conditions. ClinVar contains an entry for this variant (Variation ID: 1065089). Algorithms developed to predict the effect of missense changes on protein structure and function are either unavailable or do not agree on the potential impact of this missense change (SIFT: "Deleterious"; PolyPhen-2: "Probably Damaging"; Align-GVGD: "Class C0"). In summary, the available evidence is currently insufficient to determine the role of this variant in disease. Therefore, it has been classified as a Variant of Uncertain Significance.

Department of Otolaryngology – Head & Neck Surgery, Cochlear Implant Center
Classification: Uncertain significance for Hearing impairment. Last evaluated: 2021-04-12. Review status: criteria provided, single submitter. Criteria: ClinGen HL ACMG Specifications v1. Collection method: clinical testing. Allele origin: germline. Affected: yes.
Comment: PM2_Moderate, PP3_Supporting

Clinical Genetics DNA and cytogenetics Diagnostics Lab, Erasmus MC, Erasmus Medical Center
Classification: Uncertain significance. Review status: no assertion criteria provided. Collection method: clinical testing. Allele origin: germline. Affected: yes. Study: VKGL Data-share Consensus. Not counted in ClinVar's aggregate classification.

Laboratory of Diagnostic Genome Analysis, Leiden University Medical Center (LUMC)
Classification: Uncertain significance. Review status: no assertion criteria provided. Collection method: clinical testing. Allele origin: germline. Affected: yes. Study: VKGL Data-share Consensus. Not counted in ClinVar's aggregate classification.